The following is an entry in ClinVar:

ClinVar aggregate classification (germline): Conflicting classifications of pathogenicity. Review status: criteria provided, conflicting classifications (1 of 4 stars). 2 submissions from 2 submitters: Likely pathogenic (1); Uncertain significance (1). Last evaluated 2025-09-15.

Conditions:
Xeroderma pigmentosum, group C (XPC). Also called: XPC-Related Xeroderma Pigmentosum; Xeroderma pigmentosum, complementation group C; XERODERMA PIGMENTOSUM III; XP, GROUP C. Identifiers: Orphanet 910, MedGen C2752147, MONDO:0010211, OMIM 278720.

Allele frequency attached by ClinVar (database versions not stated): gnomAD exomes below 0.00001.

Submissions (2):

Myriad Genetics, Inc.
Classification: Uncertain significance for Xeroderma pigmentosum, group C. Last evaluated: 2025-09-15. Review status: criteria provided, single submitter. Criteria: Myriad Autosomal Dominant, Autosomal Recessive and X-Linked Classification Criteria (2023). Collection method: clinical testing. Allele origin: unknown.
Comment: NM_004628.4(XPC):c.2552dupT(A852Gfs*19) is a frameshift variant classified as a variant of uncertain significance in the context of xeroderma pigmentosum group C. A852Gfs*19 has not been observed in cases with relevant disease. Relevant functional assessments of this variant are not available in the literature. A852Gfs*19 has not been observed in referenced population frequency databases. In summary, there is insufficient evidence to classify NM_004628.4(XPC):c.2552dupT(A852Gfs*19) as pathogenic or benign. Please note: this variant was assessed in the context of healthy population screening.

Baylor Genetics
Classification: Likely pathogenic for Xeroderma pigmentosum, group C. Last evaluated: 2023-10-07. Review status: criteria provided, single submitter. Criteria: ACMG Guidelines, 2015. Collection method: clinical testing. Allele origin: unknown.

NM_004628.5(XPC):c.2552dup (p.Ala852fs)

Gene: XPC (XPC complex subunit, DNA damage recognition and repair factor; minus strand). Cytogenetic location: 3p25.1.
Variant type: Duplication.
Coding change: c.2552dup on transcript NM_004628.5 (MANE Select); coding-DNA position 2552, one base duplicated (T; older notation c.2552dupT).
Protein change: p.Ala852fs; shifts the reading frame from alanine 852.
Molecular consequence: frameshift variant. On other transcripts: non-coding transcript variant (2).
Genome position (GRCh38, 1-based): chr3:14,147,342, A duplicated on the plus strand (T on the coding strand, the reverse complement: XPC is on the minus strand). VCF-style (leftmost placement, unchanged base first): chr3-14147341-C-CA. GRCh37 (hg19) VCF-style: chr3-14188841-C-CA.
Other names: c.1973dup, p.Ala659fs (NM_001354726.2); c.2546dup, p.Ala850fs (NM_001354727.2); c.2534dup, p.Ala846fs (NM_001354729.2); c.2306dup, p.Ala770fs (NM_001354730.2); short protein forms A659fs, A770fs, A846fs, A850fs, A852fs.
Identifiers: ClinVar variation 2679637 (VCV002679637.2), dbSNP rs2470219549, ClinGen allele CA2664572019.